The following is an entry in ClinVar:

ClinVar aggregate classification (germline): Uncertain significance. Review status: criteria provided, multiple submitters, no conflicts (2 of 4 stars). 2 submissions from 2 submitters: Uncertain significance (2). Last evaluated 2024-04-09.

Conditions:
Familial thoracic aortic aneurysm and aortic dissection (TAAD). Also called: Thoracic aortic aneurysms and dissections. Identifiers: Orphanet 91387, MedGen C4707243, MONDO:0019625.
Aortic aneurysm, familial thoracic 4 (AAT4). Also called: AORTIC ANEURYSM/AORTIC DISSECTION AND PATENT DUCTUS ARTERIOSUS. Identifiers: MedGen C1851504, MONDO:0007568, OMIM 132900.

gnomAD v4.1: 1 of 1,613,866 alleles (0.000062%); no homozygotes.

Submissions (2):

Labcorp Genetics (formerly Invitae), Labcorp
Classification: Uncertain significance for Aortic aneurysm, familial thoracic 4. Last evaluated: 2024-04-09. Review status: criteria provided, single submitter. Criteria: Invitae Variant Classification Sherloc (09022015). Collection method: clinical testing. Allele origin: germline.
Comment: This sequence change replaces glutamic acid, which is acidic and polar, with lysine, which is basic and polar, at codon 179 of the MYH11 protein (p.Glu179Lys). This variant is not present in population databases (gnomAD no frequency). This variant has not been reported in the literature in individuals affected with MYH11-related conditions. Advanced modeling of protein sequence and biophysical properties (such as structural, functional, and spatial information, amino acid conservation, physicochemical variation, residue mobility, and thermodynamic stability) has been performed at Invitae for this missense variant, however the output from this modeling did not meet the statistical confidence thresholds required to predict the impact of this variant on MYH11 protein function. In summary, the available evidence is currently insufficient to determine the role of this variant in disease. Therefore, it has been classified as a Variant of Uncertain Significance.

Color Diagnostics, LLC DBA Color Health
Classification: Uncertain significance for Familial thoracic aortic aneurysm and aortic dissection. Last evaluated: 2022-08-22. Review status: criteria provided, single submitter. Criteria: ACMG Guidelines, 2015. Collection method: clinical testing. Allele origin: germline.
Comment: This missense variant replaces glutamic acid with lysine at codon 179 of the MYH11 protein. Computational prediction suggests that this variant may have deleterious impact on protein structure and function (internally defined REVEL score threshold >= 0.7, PMID: 27666373). To our knowledge, functional studies have not been reported for this variant. This variant has not been reported in individuals affected with cardiovascular disorders in the literature. This variant has not been identified in the general population by the Genome Aggregation Database (gnomAD). The available evidence is insufficient to determine the role of this variant in disease conclusively. Therefore, this variant is classified as a Variant of Uncertain Significance.

NM_002474.3(MYH11):c.535G>A (p.Glu179Lys)

Gene: MYH11 (myosin heavy chain 11; minus strand). Cytogenetic location: 16p13.11.
Variant type: single nucleotide variant.
Coding change: c.535G>A on transcript NM_002474.3 (MANE Select); coding-DNA position 535, G replaced by A.
Protein change: p.Glu179Lys; replaces glutamic acid 179 with lysine.
Molecular consequence: missense variant.
Genome position (GRCh38, 1-based): chr16:15,786,728, C>T on the plus strand (G>A on the coding strand, the complement: MYH11 is on the minus strand). VCF-style: chr16-15786728-C-T. GRCh37 (hg19) VCF-style: chr16-15880585-C-T.
Other names: c.535G>A, p.Glu179Lys (NM_001040113.2, NM_001040114.2, NM_022844.3); short protein forms E179K.
Identifiers: ClinVar variation 2773877 (VCV002773877.4), dbSNP rs2506657190, ClinGen allele CA394873918.